The following is an entry in ClinVar:

ClinVar aggregate classification (germline): Uncertain significance (1 of 4 stars; one submission).

Conditions:
ATP8B1-related disorder. Also called: ATP8B1-related condition; ATP8B1-related disorders.

gnomAD v4.1: 1 of 1,612,784 alleles (0.000062%); highest among the groups gnomAD compares: Non-Finnish European, 0.000085%; no homozygotes.

Submission:

PreventionGenetics, part of Exact Sciences
Classification: Uncertain significance for ATP8B1-related condition. Last evaluated: 2025-11-03. Review status: criteria provided, single submitter. Criteria: ACMG Guidelines, 2015. Collection method: clinical testing. Allele origin: germline.
Comment: The ATP8B1 c.1952T>G variant is predicted to result in the amino acid substitution p.Leu651Arg. To our knowledge, this variant has not been reported in the literature or in a large population database (gnomAD), indicating this variant is rare. At this time, the clinical significance of this variant is uncertain due to the absence of conclusive functional and genetic evidence.

NM_001374385.1(ATP8B1):c.1952T>G (p.Leu651Arg)

Gene: ATP8B1 (ATPase phospholipid transporting 8B1; minus strand). Cytogenetic location: 18q21.31.
Variant type: single nucleotide variant.
Coding change: c.1952T>G on transcript NM_001374385.1 (MANE Select); coding-DNA position 1952, T replaced by G.
Protein change: p.Leu651Arg; replaces leucine 651 with arginine.
Molecular consequence: missense variant.
Genome position (GRCh38, 1-based): chr18:57,669,463, A>C on the plus strand (T>G on the coding strand, the complement: ATP8B1 is on the minus strand). VCF-style: chr18-57669463-A-C. GRCh37 (hg19) VCF-style: chr18-55336695-A-C.
Other names: c.1802T>G, p.Leu601Arg (NM_001374386.1); c.1952T>G, p.Leu651Arg (NM_005603.6); short protein forms L651R, L601R.
Identifiers: ClinVar variation 4994841 (VCV004994841.1).
Genomic context (GRCh38, chr18:57,669,463, plus strand): 5'-TTATTCCATTCTGTAAATTCTTTTTCTTCAATTTCCTTGTAGCAAAGGCATAGGGTTCTA[A>C]GAGTTTCATTTGCAAAGATCTGTTTTATTTAAAAAAATAAATCCACCAATGCAAAGAATA-3'
Protein context (NP_001361314.1, residues 641-661): DALDIFANET[Leu651Arg]RTLCLCYKEI